The following is an entry in ClinVar:

ClinVar aggregate classification (germline): Likely pathogenic (1 of 4 stars; one submission).

Submission:

Genetic Services Laboratory, University of Chicago
Classification: Likely pathogenic. Last evaluated: 2025-02-11. Review status: criteria provided, single submitter. Criteria: ACMG Guidelines, 2015. Collection method: clinical testing. Allele origin: germline.
Comment: The c.226del variant: Results in a single base pair deletion in exon 2. Is predicted to result in an amino acid frameshift and create a premature stop codon 25 amino acids downstream of the change, p.Tyr76Ilefs*25. Does not appear to have been previously described in individuals with LZTR1-related disorders; however, other truncating variants have been reported in this area of the LZTR1 gene in individuals with LZTR1-related schwannomatosis (PMIDs: 25480913, 24362817). Has not been described in population databases such as gnomAD v4. ClinVar does not contain an entry for this variant. Collectively, the available evidence indicates that this variant is likely pathogenic.

NM_006767.4(LZTR1):c.226del (p.Tyr76fs)

Gene: LZTR1 (leucine zipper like post translational regulator 1; plus strand). Cytogenetic location: 22q11.21.
Variant type: Deletion.
Coding change: c.226del on transcript NM_006767.4 (MANE Select); coding-DNA position 226, one base deleted (T; older notation c.226delT).
Protein change: p.Tyr76fs; shifts the reading frame from tyrosine 76.
Molecular consequence: frameshift variant.
Genome position (GRCh38, 1-based): chr22:20,983,052, T deleted. VCF-style (leftmost placement, unchanged base first): chr22-20983051-CT-C. GRCh37 (hg19) VCF-style: chr22-21337340-CT-C.
Other names: short protein forms Y76fs.
Identifiers: ClinVar variation 5010236 (VCV005010236.1).
Genomic context (GRCh38, chr22:20,983,051, plus strand): 5'-TCCTGTCCTTACCGCCCTCCACTCCTTTCTTTCCAGGCGCAGCAAGCACACAGTGGTGGC[CT>C]ATAAAGATGCCATTTATGTATTTGGTGGAGACAATGGGTGAGTGAGTCTCAGCATCAGTG-3'